The following is an entry in ClinVar:

ClinVar aggregate classification (germline): Uncertain significance. Review status: criteria provided, multiple submitters, no conflicts (2 of 4 stars). 4 submissions from 4 submitters: Uncertain significance (4). Last evaluated 2024-10-02.

Conditions:
Hereditary cancer-predisposing syndrome. Also called: Neoplastic Syndromes, Hereditary; Hereditary Cancer Syndrome; Hereditary neoplastic syndrome; Tumor predisposition. Identifiers: Orphanet 140162, MedGen C0027672, MeSH D009386, MONDO:0015356.
Ataxia-telangiectasia syndrome (AT). Also called: Cerebello-oculocutaneous telangiectasia; Immunodeficiency with ataxia telangiectasia; Ataxia-telangiectasia, complementation group D; AT, COMPLEMENTATION GROUP C; ATAXIA-TELANGIECTASIA, FRESNO VARIANT; ATAXIA-TELANGIECTASIA, COMPLEMENTATION GROUP A. Identifiers: Orphanet 100, MedGen C0004135, MONDO:0008840, OMIM 208900.

Submissions (4):

Ambry Genetics
Classification: Uncertain significance for Hereditary cancer-predisposing syndrome. Last evaluated: 2024-10-02. Review status: criteria provided, single submitter. Criteria: Ambry Variant Classification Scheme 2023. Collection method: clinical testing. Allele origin: germline.
Comment: The p.N344Y variant (also known as c.1030A>T), located in coding exon 7 of the ATM gene, results from an A to T substitution at nucleotide position 1030. The asparagine at codon 344 is replaced by tyrosine, an amino acid with dissimilar properties. This amino acid position is highly conserved in available vertebrate species. In addition, the in silico prediction for this alteration is inconclusive. Based on the available evidence, the clinical significance of this variant remains unclear.

Labcorp Genetics (formerly Invitae), Labcorp
Classification: Uncertain significance for Ataxia-telangiectasia syndrome. Last evaluated: 2024-07-02. Review status: criteria provided, single submitter. Criteria: Invitae Variant Classification Sherloc (09022015). Collection method: clinical testing. Allele origin: germline.
Comment: This sequence change replaces asparagine, which is neutral and polar, with tyrosine, which is neutral and polar, at codon 344 of the ATM protein (p.Asn344Tyr). This variant is not present in population databases (gnomAD no frequency). This variant has not been reported in the literature in individuals affected with ATM-related conditions. ClinVar contains an entry for this variant (Variation ID: 142532). An algorithm developed to predict the effect of missense changes on protein structure and function (PolyPhen-2) suggests that this variant is likely to be disruptive. In summary, the available evidence is currently insufficient to determine the role of this variant in disease. Therefore, it has been classified as a Variant of Uncertain Significance.

Color Diagnostics, LLC DBA Color Health
Classification: Uncertain significance for Hereditary cancer-predisposing syndrome. Last evaluated: 2024-03-06. Review status: criteria provided, single submitter. Criteria: ACMG Guidelines, 2015. Collection method: clinical testing. Allele origin: germline.
Comment: This missense variant replaces asparagine with tyrosine at codon 344 of the ATM protein. Computational prediction suggests that this variant may not impact protein structure and function (internally defined REVEL score threshold <= 0.5, PMID: 27666373). To our knowledge, functional studies have not been reported for this variant. This variant has not been reported in individuals affected with ATM-related disorders in the literature. This variant has not been identified in the general population by the Genome Aggregation Database (gnomAD). The available evidence is insufficient to determine the role of this variant in disease conclusively. Therefore, this variant is classified as a Variant of Uncertain Significance.

GeneDx
Classification: Uncertain significance. Last evaluated: 2023-07-14. Review status: criteria provided, single submitter. Criteria: GeneDx Variant Classification Process June 2021. Collection method: clinical testing. Allele origin: germline. Affected: yes.
Comment: Not observed at significant frequency in large population cohorts (gnomAD); In silico analysis supports that this missense variant has a deleterious effect on protein structure/function; Has not been previously published as pathogenic or benign to our knowledge

NM_000051.4(ATM):c.1030A>T (p.Asn344Tyr)

Gene: ATM (ATM serine/threonine kinase; plus strand). Cytogenetic location: 11q22.3.
Variant type: single nucleotide variant.
Coding change: c.1030A>T on transcript NM_000051.4 (MANE Select); coding-DNA position 1030, A replaced by T.
Protein change: p.Asn344Tyr; replaces asparagine 344 with tyrosine.
Molecular consequence: missense variant.
Genome position (GRCh38, 1-based): chr11:108,247,092, A>T. VCF-style: chr11-108247092-A-T. GRCh37 (hg19) VCF-style: chr11-108117819-A-T.
Other names: c.1030A>T, p.Asn344Tyr (NM_001351834.2); short protein forms N344Y.
Identifiers: ClinVar variation 142532 (VCV000142532.17), dbSNP rs587782526, ClinGen allele CA168644.
Genomic context (GRCh38, chr11:108,247,092, plus strand): 5'-AGTCATATAGGAAGTAGAGGAAAGTATTCTTCAGGATTTCGTAATATTGCCGTCAAAGAA[A>T]ATTTGATTGAATTGATGGCAGATATCTGTCACCAGGTACAGTAAGTAGGTCATGTCACAT-3'
Protein context (NP_000042.3, residues 334-354): SGFRNIAVKE[Asn344Tyr]LIELMADICH